The following is an entry in ClinVar:

ClinVar aggregate classification (germline): Uncertain significance (1 of 4 stars; one submission).

Conditions:
Emery-Dreifuss muscular dystrophy 5, autosomal dominant (EDMD5). Also called: EMERY-DREIFUSS MUSCULAR DYSTROPHY 5. Identifiers: Orphanet 261, MedGen C2751805, MONDO:0013072, OMIM 612999.

Submission:

Labcorp Genetics (formerly Invitae), Labcorp
Classification: Uncertain significance for Emery-Dreifuss muscular dystrophy 5, autosomal dominant. Last evaluated: 2022-08-22. Review status: criteria provided, single submitter. Criteria: Invitae Variant Classification Sherloc (09022015). Collection method: clinical testing. Allele origin: germline.
Comment: This sequence change replaces arginine, which is basic and polar, with lysine, which is basic and polar, at codon 3776 of the SYNE2 protein (p.Arg3776Lys). This variant is not present in population databases (gnomAD no frequency). This variant has not been reported in the literature in individuals affected with SYNE2-related conditions. Algorithms developed to predict the effect of missense changes on protein structure and function output the following: SIFT: "Tolerated"; PolyPhen-2: "Possibly Damaging"; Align-GVGD: "Class C0". The lysine amino acid residue is found in multiple mammalian species, which suggests that this missense change does not adversely affect protein function. In summary, the available evidence is currently insufficient to determine the role of this variant in disease. Therefore, it has been classified as a Variant of Uncertain Significance.

NM_182914.3(SYNE2):c.11327G>A (p.Arg3776Lys)

Gene: SYNE2 (spectrin repeat containing nuclear envelope protein 2; plus strand). Cytogenetic location: 14q23.2.
Variant type: single nucleotide variant.
Coding change: c.11327G>A on transcript NM_182914.3 (MANE Select); coding-DNA position 11327, G replaced by A.
Protein change: p.Arg3776Lys; replaces arginine 3776 with lysine.
Molecular consequence: missense variant.
Genome position (GRCh38, 1-based): chr14:64,080,619, G>A. VCF-style: chr14-64080619-G-A. GRCh37 (hg19) VCF-style: chr14-64547337-G-A.
Other names: c.11327G>A, p.Arg3776Lys (NM_015180.6); short protein forms R3776K.
Identifiers: ClinVar variation 1717722 (VCV001717722.5), dbSNP rs2548606720, ClinGen allele CA389941982.